The following is an entry in ClinVar:

NM_001308120.2(TOGARAM1):c.4629C>T (p.Tyr1543=)

Gene: TOGARAM1 (TOG array regulator of axonemal microtubules 1; plus strand). Cytogenetic location: 14q21.2.
Variant type: single nucleotide variant.
Coding change: c.4629C>T on transcript NM_001308120.2 (MANE Select); coding-DNA position 4629, C replaced by T.
Protein change: p.Tyr1543=; no amino-acid change (tyrosine 1543 retained).
Molecular consequence: synonymous variant. On other transcripts: non-coding transcript variant (1).
Genome position (GRCh38, 1-based): chr14:45,066,647, C>T. VCF-style: chr14-45066647-C-T. GRCh37 (hg19) VCF-style: chr14-45535850-C-T.
Other names: c.4470C>T, p.Tyr1490= (NM_015091.4).
Identifiers: ClinVar variation 2644208 (VCV002644208.24), dbSNP rs2502923206, ClinGen allele CA486132437.

ClinVar aggregate classification (germline): Likely benign (1 of 4 stars; one submission).

Submission:

CeGaT Center for Human Genetics Tuebingen
Classification: Likely benign. Last evaluated: 2023-01-01. Review status: criteria provided, single submitter. Criteria: CeGaT Center For Human Genetics Tuebingen Variant Classification Criteria Version 2. Collection method: clinical testing. Allele origin: germline. Affected: yes. Observed: 1 variant allele.
Comment: TOGARAM1: PM2:Supporting, BP4, BP7